The following is an entry in ClinVar:

NM_033100.4(CDHR1):c.348+6T>A

Gene: CDHR1 (cadherin related family member 1; plus strand). Cytogenetic location: 10q23.1.
Variant type: single nucleotide variant.
Coding change: c.348+6T>A on transcript NM_033100.4 (MANE Select); 6 bases into the intron after coding-DNA position 348, T replaced by A.
Molecular consequence: intron variant.
Genome position (GRCh38, 1-based): chr10:84,197,842, T>A. VCF-style: chr10-84197842-T-A. GRCh37 (hg19) VCF-style: chr10-85957598-T-A.
Other names: c.348+6T>A (NM_001171971.3).
Identifiers: ClinVar variation 2126566 (VCV002126566.4), dbSNP rs1842055400, ClinGen allele CA1924445485.

ClinVar aggregate classification (germline): Uncertain significance (1 of 4 stars; one submission).

Allele frequency attached by ClinVar (database versions not stated): TOPMed below 0.00001.

Submission:

Labcorp Genetics (formerly Invitae), Labcorp
Classification: Uncertain significance. Last evaluated: 2022-04-15. Review status: criteria provided, single submitter. Criteria: Invitae Variant Classification Sherloc (09022015). Collection method: clinical testing. Allele origin: germline.
Comment: This variant is not present in population databases (gnomAD no frequency). This sequence change falls in intron 4 of the CDHR1 gene. It does not directly change the encoded amino acid sequence of the CDHR1 protein. It affects a nucleotide within the consensus splice site. This variant has not been reported in the literature in individuals affected with CDHR1-related conditions. In summary, the available evidence is currently insufficient to determine the role of this variant in disease. Therefore, it has been classified as a Variant of Uncertain Significance. Variants that disrupt the consensus splice site are a relatively common cause of aberrant splicing (PMID: 17576681, 9536098). Algorithms developed to predict the effect of sequence changes on RNA splicing suggest that this variant may create or strengthen a splice site.

Literature cited by the submitters: PubMed 17576681; PubMed 9536098.